The following is an entry in ClinVar:

ClinVar aggregate classification (germline): Uncertain significance. Review status: criteria provided, multiple submitters, no conflicts (2 of 4 stars). 4 submissions from 4 submitters: Uncertain significance (4). Last evaluated 2025-05-15.

Conditions:
Arrhythmogenic right ventricular dysplasia 5. Also called: Arrhythmogenic Right Ventricular Dysplasia/Cardiomyopathy 5; ARRHYTHMOGENIC RIGHT VENTRICULAR DYSPLASIA, FAMILIAL, 5. Identifiers: MedGen C1858379, MONDO:0011459, OMIM 604400.
Cardiovascular phenotype. Identifiers: MedGen CN230736.
Cardiomyopathy (CMYO). Also called: Cardiomyopathies. Identifiers: Orphanet 167848, MedGen C0878544, MONDO:0004994, HP:0001638. Inheritance: Various modes of inheritance.

Allele frequency attached by ClinVar (database versions not stated): gnomAD 0.00001 and 0.00003; gnomAD exomes 0.00001; TOPMed 0.00001; ExAC 0.00002.
gnomAD v4.1: 26 of 1,613,932 alleles (0.0016%); highest among the groups gnomAD compares: African/African-American, 0.012%; no homozygotes.

Submissions (4):

Labcorp Genetics (formerly Invitae), Labcorp
Classification: Uncertain significance for Arrhythmogenic right ventricular dysplasia 5. Last evaluated: 2025-05-15. Review status: criteria provided, single submitter. Criteria: Invitae Variant Classification Sherloc (09022015). Collection method: clinical testing. Allele origin: germline.
Comment: This sequence change replaces arginine, which is basic and polar, with tryptophan, which is neutral and slightly polar, at codon 328 of the TMEM43 protein (p.Arg328Trp). This variant is present in population databases (rs561883271, gnomAD 0.006%). This variant has not been reported in the literature in individuals affected with TMEM43-related conditions. ClinVar contains an entry for this variant (Variation ID: 924127). Invitae Evidence Modeling of protein sequence and biophysical properties (such as structural, functional, and spatial information, amino acid conservation, physicochemical variation, residue mobility, and thermodynamic stability) indicates that this missense variant is not expected to disrupt TMEM43 protein function with a negative predictive value of 80%. In summary, the available evidence is currently insufficient to determine the role of this variant in disease. Therefore, it has been classified as a Variant of Uncertain Significance.

Ambry Genetics
Classification: Uncertain significance for Cardiovascular phenotype. Last evaluated: 2024-11-10. Review status: criteria provided, single submitter. Criteria: Ambry Variant Classification Scheme 2023. Collection method: clinical testing. Allele origin: germline.
Comment: The p.R328W variant (also known as c.982C>T), located in coding exon 11 of the TMEM43 gene, results from a C to T substitution at nucleotide position 982. The arginine at codon 328 is replaced by tryptophan, an amino acid with dissimilar properties. This amino acid position is conserved. In addition, the in silico prediction for this alteration is inconclusive. Based on the available evidence, the clinical significance of this variant remains unclear.

Color Diagnostics, LLC DBA Color Health
Classification: Uncertain significance for Cardiomyopathy. Last evaluated: 2024-03-06. Review status: criteria provided, single submitter. Criteria: ACMG Guidelines, 2015. Collection method: clinical testing. Allele origin: germline.
Comment: This missense variant replaces arginine with tryptophan at codon 328 of the TMEM43 protein. Computational prediction suggests that this variant may not impact protein structure and function (internally defined REVEL score threshold <= 0.5, PMID: 27666373). To our knowledge, functional studies have not been reported for this variant. This variant has not been reported in individuals affected with TMEM43-related disorders in the literature. This variant has been identified in 3/251448 chromosomes in the general population by the Genome Aggregation Database (gnomAD). The available evidence is insufficient to determine the role of this variant in disease conclusively. Therefore, this variant is classified as a Variant of Uncertain Significance.

All of Us Research Program, National Institutes of Health
Classification: Uncertain significance for Arrhythmogenic right ventricular dysplasia 5. Last evaluated: 2023-11-30. Review status: criteria provided, single submitter. Criteria: ACMG Guidelines, 2015. Collection method: clinical testing. Allele origin: germline. Inheritance: Autosomal dominant inheritance. Observed: 3 variant alleles, 3 heterozygotes.
Comment: This missense variant replaces arginine with tryptophan at codon 328 of the TMEM43 protein. Computational prediction suggests that this variant may not impact protein structure and function (internally defined REVEL score threshold <= 0.5, PMID: 27666373). Splice site prediction tools suggest that this variant may not impact RNA splicing. To our knowledge, functional studies have not been performed for this variant. This variant has not been reported in individuals affected with cardiovascular disorders in the literature. This variant has been identified in 3/251448 chromosomes in the general population by the Genome Aggregation Database (gnomAD). The available evidence is insufficient to determine the role of this variant in disease conclusively. Therefore, this variant is classified as a Variant of Uncertain Significance.

This study involves interpretation of variants in research participants for the purpose of population health screening. Participant phenotype was not available at the time of variant classification. Additional details can be found in publication PMID: 35346344, PMCID: PMC8962531

NM_024334.3(TMEM43):c.982C>T (p.Arg328Trp)

Gene: TMEM43 (transmembrane protein 43; plus strand). Cytogenetic location: 3p25.1.
Variant type: single nucleotide variant.
Coding change: c.982C>T on transcript NM_024334.3 (MANE Select); coding-DNA position 982, C replaced by T.
Protein change: p.Arg328Trp; replaces arginine 328 with tryptophan.
Molecular consequence: missense variant.
Genome position (GRCh38, 1-based): chr3:14,139,279, C>T. VCF-style: chr3-14139279-C-T. GRCh37 (hg19) VCF-style: chr3-14180779-C-T.
Other names: short protein forms R328W.
Identifiers: ClinVar variation 924127 (VCV000924127.15), dbSNP rs561883271, ClinGen allele CA056368.